The following is an entry in ClinVar:

ClinVar aggregate classification (germline): Uncertain significance. Review status: criteria provided, multiple submitters, no conflicts (2 of 4 stars). 3 submissions from 3 submitters: Uncertain significance (3). Last evaluated 2026-01-27.

Allele frequency attached by ClinVar (database versions not stated): gnomAD 0.00006 and 0.00009; ExAC 0.00009; gnomAD exomes 0.00009; TOPMed 0.00017.
gnomAD v4.1: 47 of 1,593,664 alleles (0.0029%); highest among the groups gnomAD compares: East Asian, 0.047%; no homozygotes.

Submissions (3):

Labcorp Genetics (formerly Invitae), Labcorp
Classification: Uncertain significance. Last evaluated: 2026-01-27. Review status: criteria provided, single submitter. Criteria: Invitae Variant Classification Sherloc (09022015). Collection method: clinical testing. Allele origin: germline.
Comment: This sequence change replaces alanine, which is neutral and non-polar, with threonine, which is neutral and polar, at codon 67 of the RECQL protein (p.Ala67Thr). This variant is present in population databases (rs754016839, gnomAD 0.1%), and has an allele count higher than expected for a pathogenic variant. This variant has not been reported in the literature in individuals affected with RECQL-related conditions. ClinVar contains an entry for this variant (Variation ID: 1005474). An algorithm developed to predict the effect of missense changes on protein structure and function outputs the following: PolyPhen-2: "Benign". The threonine amino acid residue is found in multiple mammalian species, which suggests that this missense change does not adversely affect protein function. In summary, the available evidence is currently insufficient to determine the role of this variant in disease. Therefore, it has been classified as a Variant of Uncertain Significance.

Ambry Genetics
Classification: Uncertain significance. Last evaluated: 2025-12-16. Review status: criteria provided, single submitter. Criteria: Ambry Variant Classification Scheme 2023. Collection method: clinical testing. Allele origin: germline.

Quest Diagnostics Nichols Institute San Juan Capistrano
Classification: Uncertain significance. Last evaluated: 2021-09-20. Review status: criteria provided, single submitter. Criteria: Quest Diagnostics criteria. Collection method: clinical testing. Allele origin: unknown.

NM_002907.4(RECQL):c.199G>A (p.Ala67Thr)

Gene: RECQL (RecQ like helicase; minus strand). Cytogenetic location: 12p12.1.
Variant type: single nucleotide variant.
Coding change: c.199G>A on transcript NM_002907.4 (MANE Select); coding-DNA position 199, G replaced by A.
Protein change: p.Ala67Thr; replaces alanine 67 with threonine.
Molecular consequence: missense variant.
Genome position (GRCh38, 1-based): chr12:21,491,534, C>T on the plus strand (G>A on the coding strand, the complement: RECQL is on the minus strand). VCF-style: chr12-21491534-C-T. GRCh37 (hg19) VCF-style: chr12-21644468-C-T.
Other names: c.199G>A, p.Ala67Thr (NM_032941.3); short protein forms A67T.
Identifiers: ClinVar variation 1005474 (VCV001005474.12), dbSNP rs754016839, ClinGen allele CA6479180.